The following is an entry in ClinVar:

NM_000027.4(AGA):c.312T>G (p.Asp104Glu)

Gene: AGA (aspartylglucosaminidase; minus strand). Cytogenetic location: 4q34.3.
Variant type: single nucleotide variant.
Coding change: c.312T>G on transcript NM_000027.4 (MANE Select); coding-DNA position 312, T replaced by G.
Protein change: p.Asp104Glu; replaces aspartic acid 104 with glutamic acid.
Molecular consequence: missense variant. On other transcripts: non-coding transcript variant (1).
Genome position (GRCh38, 1-based): chr4:177,439,658, A>C on the plus strand (T>G on the coding strand, the complement: AGA is on the minus strand). VCF-style: chr4-177439658-A-C. GRCh37 (hg19) VCF-style: chr4-178360812-A-C.
Other names: c.312T>G, p.Asp104Glu (NM_001171988.2); short protein forms D104E.
Identifiers: ClinVar variation 2165821 (VCV002165821.1), dbSNP rs1463151836, ClinGen allele CA358783792.

ClinVar aggregate classification (germline): Uncertain significance (1 of 4 stars; one submission).

Conditions:
Aspartylglucosaminuria (AGU). Also called: Aspartylglucos-aminuria; Aspartylglucos-amidase (AGA) deficiency; AGA DEFICIENCY; GLYCOASPARAGINASE; GLYCOSYLASPARAGINASE DEFICIENCY. Identifiers: Orphanet 93, MedGen C0268225, MONDO:0008830, OMIM 208400, HP:0012068.

Allele frequency attached by ClinVar (database versions not stated): gnomAD exomes 0.00001; gnomAD 0.00002; TOPMed 0.00002.
gnomAD v4.1: 10 of 1,610,782 alleles (0.00062%); highest among the groups gnomAD compares: Admixed American, 0.015%; no homozygotes.

Submission:

Labcorp Genetics (formerly Invitae), Labcorp
Classification: Uncertain significance for Aspartylglucosaminuria. Last evaluated: 2022-05-28. Review status: criteria provided, single submitter. Criteria: Invitae Variant Classification Sherloc (09022015). Collection method: clinical testing. Allele origin: germline.
Comment: This sequence change replaces aspartic acid, which is acidic and polar, with glutamic acid, which is acidic and polar, at codon 104 of the AGA protein (p.Asp104Glu). This variant is present in population databases (no rsID available, gnomAD 0.01%). This variant has not been reported in the literature in individuals affected with AGA-related conditions. Algorithms developed to predict the effect of missense changes on protein structure and function (SIFT, PolyPhen-2, Align-GVGD) all suggest that this variant is likely to be tolerated. In summary, the available evidence is currently insufficient to determine the role of this variant in disease. Therefore, it has been classified as a Variant of Uncertain Significance.